The following is an entry in ClinVar:

ClinVar aggregate classification (germline): Uncertain significance (1 of 4 stars; one submission).

Submission:

Dasa
Classification: Uncertain significance. Last evaluated: 2026-04-14. Review status: criteria provided, single submitter. Criteria: DASA Assertion Criteria. Collection method: clinical testing. Allele origin: germline.
Comment: NM_182543.5(NSUN6):c.576-1G>A affects a canonical splice site and is predicted to disrupt normal RNA splicing. This variant is rare in population databases. The currently available literature and clinical evidence are not sufficient to establish a definitive association between this variant and the reported condition. Therefore, this variant is classified as a variant of uncertain significance.

NM_182543.5(NSUN6):c.576-1G>A

Gene: NSUN6 (NOP2/Sun RNA methyltransferase 6; minus strand). Cytogenetic location: 10p12.31.
Variant type: single nucleotide variant.
Coding change: c.576-1G>A on transcript NM_182543.5 (MANE Select); the canonical splice acceptor site of the intron before coding-DNA position 576, G replaced by A.
Molecular consequence: splice acceptor variant.
Genome position (GRCh38, 1-based): chr10:18,609,927, C>T on the plus strand (G>A on the coding strand, the complement: NSUN6 is on the minus strand). VCF-style: chr10-18609927-C-T. GRCh37 (hg19) VCF-style: chr10-18898856-C-T.
Other names: c.540-1G>A (NM_001351116.2); c.153-1G>A (NM_001351118.2); c.420-1G>A (NM_001351117.2); c.573-1G>A (NM_001351115.2).
Identifiers: ClinVar variation 4882483 (VCV004882483.2).
Genomic context (GRCh38, chr10:18,609,927, plus strand): 5'-AGTACACTGTCAAATGAAGGGCTGAGATATACTGGTTCTGTCATTCTTATGCCCATGCCT[C>T]TGAAAAATAGGAAATCTAACATTAGTCTGTATAAATTCCATGGTCTATACAAACTATGTT-3'